The following is an entry in ClinVar:

NM_012213.3(MLYCD):c.1383G>A (p.Thr461=)

Gene: MLYCD (malonyl-CoA decarboxylase; plus strand). Cytogenetic location: 16q23.3.
Variant type: single nucleotide variant.
Coding change: c.1383G>A on transcript NM_012213.3 (MANE Select); coding-DNA position 1383, G replaced by A.
Protein change: p.Thr461=; no amino-acid change (threonine 461 retained).
Molecular consequence: synonymous variant.
Genome position (GRCh38, 1-based): chr16:83,915,390, G>A. VCF-style: chr16-83915390-G-A. GRCh37 (hg19) VCF-style: chr16-83948995-G-A.
Identifiers: ClinVar variation 507520 (VCV000507520.14), dbSNP rs375344095, ClinGen allele CA8197620.
Genomic context (GRCh38, chr16:83,915,390, plus strand): 5'-CAGAGGCATCACCGGCTCCTGCGGCCTGATGGCCAACTACCGCTACTTCCTGGAGGAGAC[G>A]GGCCCCAACAGCACCTCCTACCTCGGCTCCAAGATCATCAAAGCCTCTGAGCAGGTCCTC-3'
Protein context (NP_036345.2, residues 451-471): MANYRYFLEE[Thr461=]GPNSTSYLGS

ClinVar aggregate classification (germline): Likely benign. Review status: criteria provided, multiple submitters, no conflicts (2 of 4 stars). 4 submissions from 4 submitters: Likely benign (4). Last evaluated 2025-12-14.

Conditions:
MLYCD-related disorder. Also called: MLYCD-related condition.
Deficiency of malonyl-CoA decarboxylase. Also called: Malonic aciduria; MCD deficiency. Identifiers: Orphanet 943, MedGen C0342793, MONDO:0009556, OMIM 248360.

Allele frequency attached by ClinVar (database versions not stated): gnomAD exomes 0.00002 and 0.00004; ExAC 0.00007; ESP Exome Variant Server 0.00016; TOPMed 0.00022; gnomAD 0.00027; 1000 Genomes Project 0.00040; 1000 Genomes Project 30x 0.00047.
gnomAD v4.1: 80 of 1,613,850 alleles (0.005%); highest among the groups gnomAD compares: African/African-American, 0.087%; no homozygotes.

Submissions (4):

PreventionGenetics, part of Exact Sciences
Classification: Likely benign for MLYCD-related condition. Last evaluated: 2025-12-14. Review status: criteria provided, single submitter. Criteria: ACMG Guidelines, 2015. Collection method: clinical testing. Allele origin: germline.
Comment: This variant is classified as likely benign based on ACMG/AMP sequence variant interpretation guidelines (Richards et al. 2015 PMID: 25741868, with internal and published modifications).

Labcorp Genetics (formerly Invitae), Labcorp
Classification: Likely benign for Deficiency of malonyl-CoA decarboxylase. Last evaluated: 2025-08-21. Review status: criteria provided, single submitter. Criteria: Invitae Variant Classification Sherloc (09022015). Collection method: clinical testing. Allele origin: germline.

Blueprint Genetics
Classification: Likely benign. Last evaluated: 2024-06-03. Review status: criteria provided, single submitter. Criteria: ACMG Guidelines, 2015. Collection method: clinical testing. Allele origin: germline.

GeneDx
Classification: Likely benign. Last evaluated: 2017-03-07. Review status: criteria provided, single submitter. Criteria: GeneDx Variant Classification (06012015). Collection method: clinical testing. Allele origin: germline. Affected: yes.
Comment: This variant is considered likely benign or benign based on one or more of the following criteria: it is a conservative change, it occurs at a poorly conserved position in the protein, it is predicted to be benign by multiple in silico algorithms, and/or has population frequency not consistent with disease.